The following is an entry in ClinVar:

ClinVar aggregate classification (germline): Pathogenic/Likely pathogenic. Review status: criteria provided, multiple submitters, no conflicts (2 of 4 stars). 2 submissions from 2 submitters: Pathogenic (1); Likely pathogenic (1). Last evaluated 2025-09-08.

Conditions:
Immunodeficiency, common variable, 12 (CVID12). Also called: IMMUNODEFICIENCY, COMMON VARIABLE, 12, WITH AUTOIMMUNITY; NFKB1 DEFICIENCY. Identifiers: Orphanet 1572, Orphanet 696874, MedGen C4225277, MONDO:0014697, OMIM 616576.

Submissions (2):

Labcorp Genetics (formerly Invitae), Labcorp
Classification: Pathogenic. Last evaluated: 2025-09-08. Review status: criteria provided, single submitter. Criteria: Invitae Variant Classification Sherloc (09022015). Collection method: clinical testing. Allele origin: germline.
Comment: This sequence change creates a premature translational stop signal (p.Glu359*) in the NFKB1 gene. It is expected to result in an absent or disrupted protein product. Loss-of-function variants in NFKB1 are known to be pathogenic (PMID: 26279205, 29477724). This variant is not present in population databases (gnomAD no frequency). This variant has not been reported in the literature in individuals affected with NFKB1-related conditions. ClinVar contains an entry for this variant (Variation ID: 2431615). For these reasons, this variant has been classified as Pathogenic.

Laboratorio de Genetica e Diagnostico Molecular, Hospital Israelita Albert Einstein
Classification: Likely pathogenic for Immunodeficiency, common variable, 12. Last evaluated: 2022-02-24. Review status: criteria provided, single submitter. Criteria: ACMG Guidelines, 2015. Collection method: clinical testing. Allele origin: germline. Affected: yes. Observed: 1 variant allele.
Comment: ACMG classification criteria: PVS1 very strong, PM2

Literature cited by the submitters: PubMed 26279205 (cited by Labcorp Genetics (formerly Invitae), Labcorp); PubMed 29477724 (cited by Labcorp Genetics (formerly Invitae), Labcorp).

NM_003998.4(NFKB1):c.1075G>T (p.Glu359Ter)

Gene: NFKB1 (nuclear factor kappa B subunit 1; plus strand). Cytogenetic location: 4q24.
Variant type: single nucleotide variant.
Coding change: c.1075G>T on transcript NM_003998.4 (MANE Select); coding-DNA position 1075, G replaced by T.
Protein change: p.Glu359Ter; replaces glutamic acid 359 with a stop codon.
Molecular consequence: nonsense.
Genome position (GRCh38, 1-based): chr4:102,593,433, G>T. VCF-style: chr4-102593433-G-T. GRCh37 (hg19) VCF-style: chr4-103514590-G-T.
Other names: c.1072G>T, p.Glu358Ter (NM_001165412.2, NM_001319226.2, NM_001382627.1); c.1075G>T, p.Glu359Ter (NM_001382625.1, NM_001382626.1); c.1033G>T, p.Glu345Ter (NM_001382628.1); short protein forms E345*, E358*, E359*.
Identifiers: ClinVar variation 2431615 (VCV002431615.2), dbSNP rs2149203291, ClinGen allele CA357750287.